The following is an entry in ClinVar:

ClinVar aggregate classification (germline): Uncertain significance (1 of 4 stars; one submission).

Submission:

GeneDx
Classification: Uncertain significance. Last evaluated: 2024-06-24. Review status: criteria provided, single submitter. Criteria: GeneDx Variant Classification Process June 2021. Collection method: clinical testing. Allele origin: germline. Affected: yes.
Comment: Not observed at significant frequency in large population cohorts (gnomAD); In-frame deletion of 5 amino acids and insertion of 1 amino acid in a non-repeat region; In silico analysis supports a deleterious effect on protein structure/function; Has not been previously published as pathogenic or benign to our knowledge

NM_013450.4(BAZ2B):c.1501_1514delinsTA (p.Val501_Ala505delinsTyr)

Gene: BAZ2B (bromodomain adjacent to zinc finger domain 2B; minus strand). Cytogenetic location: 2q24.2.
Variant type: Indel.
Coding change: c.1501_1514delinsTA on transcript NM_013450.4 (MANE Select); coding-DNA positions 1501 to 1514, GTCATTCAAGAAGC replaced by TA.
Protein change: p.Val501_Ala505delinsTyr.
Molecular consequence: inframe indel.
Genome position (GRCh38, 1-based): chr2:159,433,143-159,433,156, GCTTCTTGAATGAC replaced by TA on the plus strand (GTCATTCAAGAAGC replaced by TA on the coding strand, the reverse complement: BAZ2B is on the minus strand). VCF-style: chr2-159433143-GCTTCTTGAATGAC-TA. GRCh37 (hg19) VCF-style: chr2-160289654-GCTTCTTGAATGAC-TA.
Other names: c.1495_1508delinsTA, p.Val499_Ala503delinsTyr (NM_001289975.1); c.1312_1325delinsTA, p.Val438_Ala442delinsTyr (NM_001329857.2); c.1501_1514delinsTA, p.Val501_Ala505delinsTyr (NM_001329858.2).
Identifiers: ClinVar variation 3392841 (VCV003392841.1).